The following is an entry in ClinVar:

NM_032634.4(PIGO):c.1119+2T>C

Gene: PIGO (phosphatidylinositol glycan anchor biosynthesis class O; minus strand). Cytogenetic location: 9p13.3.
Variant type: single nucleotide variant.
Coding change: c.1119+2T>C on transcript NM_032634.4 (MANE Select); the canonical splice donor site of the intron after coding-DNA position 1119, T replaced by C.
Molecular consequence: splice donor variant.
Genome position (GRCh38, 1-based): chr9:35,093,028, A>G on the plus strand (T>C on the coding strand, the complement: PIGO is on the minus strand). VCF-style: chr9-35093028-A-G. GRCh37 (hg19) VCF-style: chr9-35093025-A-G.
Other names: c.1119+2T>C (NM_152850.4, NM_001201484.2).
Identifiers: ClinVar variation 418410 (VCV000418410.2), dbSNP rs1064793230, ClinGen allele CA16618854.

ClinVar aggregate classification (germline): Likely pathogenic (1 of 4 stars; one submission).

Allele frequency attached by ClinVar (database versions not stated): gnomAD exomes below 0.00001.
gnomAD v4.1: 2 of 1,602,364 alleles (0.00012%); highest among the groups gnomAD compares: African/African-American, 0.0027%; no homozygotes.

Submission:

GeneDx
Classification: Likely pathogenic. Last evaluated: 2016-06-15. Review status: criteria provided, single submitter. Criteria: GeneDx Variant Classification (06012015). Collection method: clinical testing. Allele origin: germline. Affected: yes.
Comment: The c.1119+2 T>C variant in the PIGO gene has not been reported previously as a disease-causing variant nor as a benign polymorphism, to our knowledge. This splice site variant destroys the canonical splice donor site in intron 6. It is predicted to cause abnormal gene splicing, either leading to an abnormal message that is subject to nonsense-mediated mRNA decay, or to an abnormal protein product if the message is used for protein translation. The c.1119+2 T>C variant was not observed in approximately 6500 individuals of European and African American ancestry in the NHLBI Exome Sequencing Project, indicating it is not a common benign variant in these populations. We interpret c.1119+2 T>C as a likely pathogenic variant.